The following is an entry in ClinVar:

NM_173495.3(PTCHD1):c.1696T>C (p.Tyr566His)

Gene: PTCHD1 (patched domain containing 1; plus strand). Cytogenetic location: Xp22.11.
Variant type: single nucleotide variant.
Coding change: c.1696T>C on transcript NM_173495.3 (MANE Select); coding-DNA position 1696, T replaced by C.
Protein change: p.Tyr566His; replaces tyrosine 566 with histidine.
Molecular consequence: missense variant.
Genome position (GRCh38, 1-based): chrX:23,393,214, T>C. VCF-style: chrX-23393214-T-C. GRCh37 (hg19) VCF-style: chrX-23411331-T-C.
Other names: short protein forms Y566H.
Identifiers: ClinVar variation 3354505 (VCV003354505.1).

ClinVar aggregate classification (germline): Uncertain significance (0 of 4 stars; one submission).

Conditions:
PTCHD1-related disorder. Also called: PTCHD1-related condition.

Submission:

PreventionGenetics, part of Exact Sciences
Classification: Uncertain significance for PTCHD1-related condition. Last evaluated: 2024-06-18. Review status: no assertion criteria provided. Collection method: clinical testing. Allele origin: germline.
Comment: The PTCHD1 c.1696T>C variant is predicted to result in the amino acid substitution p.Tyr566His. To our knowledge, this variant has not been reported in the literature or in gnomAD, indicating this variant is rare. At this time, the clinical significance of this variant is uncertain due to the absence of conclusive functional and genetic evidence.